The following is an entry in ClinVar:

NM_006218.4(PIK3CA):c.1637A>G (p.Gln546Arg)

Gene: PIK3CA (phosphatidylinositol-4,5-bisphosphate 3-kinase catalytic subunit alpha; plus strand). Cytogenetic location: 3q26.32.
Variant type: single nucleotide variant.
Coding change: c.1637A>G on transcript NM_006218.4 (MANE Select); coding-DNA position 1637, A replaced by G.
Protein change: p.Gln546Arg; replaces glutamine 546 with arginine.
Molecular consequence: missense variant.
Genome position (GRCh38, 1-based): chr3:179,218,307, A>G. VCF-style: chr3-179218307-A-G. GRCh37 (hg19) VCF-style: chr3-178936095-A-G.
Other names: short protein forms Q546R.
Identifiers: ClinVar variation 45466 (VCV000045466.17), dbSNP rs397517201, ClinGen allele CA136371.
Genomic context (GRCh38, chr3:179,218,307, plus strand): 5'-ATGACAAAGAACAGCTCAAAGCAATTTCTACACGAGATCCTCTCTCTGAAATCACTGAGC[A>G]GGAGAAAGATTTTCTATGGAGTCACAGGTAAGTGCTAAAATGGAGATTCTCTGTTTCTTT-3'
Protein context (NP_006209.2, residues 536-556): TRDPLSEITE[Gln546Arg]EKDFLWSHRH

ClinVar aggregate classification (germline): Pathogenic/Likely pathogenic. Review status: criteria provided, multiple submitters, no conflicts (2 of 4 stars). 6 submissions from 6 submitters: Pathogenic (3); Likely pathogenic (1). 2 of the submissions do not count toward it. Last evaluated 2023-08-09.
ClinVar aggregate classification (oncogenicity): Oncogenic (1 of 4 stars; one submission).

Conditions:
Ovarian neoplasm. Also called: Neoplasm of ovary; Ovarian Neoplasms; Ovarian tumor. Identifiers: MedGen C0919267, MeSH D010051, MONDO:0021068, HP:0100615.
Abnormal cardiovascular system morphology. Also called: Abnormality of cardiovascular system morphology. Identifiers: MedGen C4049796, HP:0030680.
PIK3CA-related disorder. Also called: PIK3CA- related disease; PIK3CA-related disorders; PIK3CA-related condition.
PIK3CA related overgrowth syndrome. Also called: PIK3CA related overgrowth spectrum; PIK3CA-Related Segmental Overgrowth. Identifiers: Orphanet 530313, MedGen C4728213, MONDO:1040002.
Neoplasm. Also called: tumor; Neoplasms; Neoplasm (disease). Identifiers: MedGen C0027651, MeSH D009369, MONDO:0005070, HP:0002664.

Submissions (7):

Center for Genomic Medicine, Rigshospitalet, Copenhagen University Hospital
Classification: Oncogenic for Neoplasm. Last evaluated: 2025-03-04. Review status: criteria provided, single submitter. Criteria: ClinGen/CGC/VICC Guidelines for Oncogenicity, 2022. Collection method: clinical testing. Allele origin: somatic. Affected: yes.

Clinical Genomics Laboratory, Washington University in St. Louis
Classification: Pathogenic for PIK3CA-related overgrowth syndrome. Last evaluated: 2023-08-09. Review status: criteria provided, single submitter. Criteria: ACMG Guidelines, 2015. Collection method: clinical testing. Allele origin: somatic. Affected: yes.
Comment: A PIK3CA c.1637A>G (p.Gln546Arg) variant was identified at an allelic fraction consistent with somatic origin. The PIK3CA c.1637A>G (p.Gln546Arg) variant has been reported in multiple individuals affected with PROS disorders, including patients with lymphatic malformations (Kuentz P et al., PMID: 28151489; Piacitelli AM et al., PMID: 30063105; Parker VER et al., PMID: 30270358; McNulty SN et al., PMID: 31585106; Brouillard P et al., PMID: 34112235). This variant has been reported in the ClinVar database as pathogenic/likely pathogenic by multiple submitters (ClinVar Variation ID: 54633). It has also been reported in multiple cases in the cancer database COSMIC (Genomic Mutation ID: COSV55876869). The PIK3CA c.1637A>G (p.Gln546Arg) variant is absent from the general population (gnomAD v.2.1.1), indicating it is not a common variant. Computational predictors suggest that this variant may have a deleterious impact on the structure and/or function of the PIK3CA-encoded protein. Functional studies show p.Gln546Arg to be activating, as demonstrated by increased transformation ability in multiple cell lines (Dogruluk T et al., PMID: 26627007; Ng PK et al., PMID: 29533785). Multiple variants in the same codon, p.Gln546Glu, p.Gln546His, p.Gln546Leu, p.Gln546Lys, and p.Gln546Pro, have been reported and are considered pathogenic (ClinVar Variation IDs: 13654, 376491, 375899, 13657, 375898). Based on an internally-developed protocol informed by the ACMG/AMP guidelines (Richards S et al., PMID: 25741868) and gene-specific practices from the ClinGen Criteria Specification Registry, the PIK3CA c.1637A>G (p.Gln546Arg) variant is classified as pathogenic.

Seattle Children's Hospital Molecular Genetics Laboratory, Seattle Children's Hospital
Classification: Pathogenic. Last evaluated: 2021-02-04. Review status: criteria provided, single submitter. Criteria: ACMG Guidelines, 2015. Collection method: clinical testing. Allele origin: somatic. Affected: yes. Observed: 4 variant alleles. Clinical features observed: Overgrowth (HP:0001548), Capillary malformation (HP:0025104), Congenital macrodactylia (HP:0004099), Venous malformation (HP:0012721).
Comment: This variant has previously been reported in multiple unrelated individuals with PIK3CA-related segmental overgrowth syndrome (PMID: 25681199, PMID: 31585106). Phenotypic information was limited in the majority of cases, but one individual had a clinical diagnosis of Fibro-Adipose Vascular Anomaly (FAVA) (PMID: 25681199). PIK3CA variants associated with PROS, including this patient's alteration, overlap those reported as oncogenic variants found in multiple tumor types (cBioPortal and NCI's Genomic Data Commons cancer databases). The p.Gln546Arg replaces the glutamine at codon 546 with arginine within the helical domain of the PIK3CA protein (UniProt P42336). Experimental studies have demonstrated that the p.Gln546Arg variant causes overactivation of the PI3K/AKT/mTOR pathway and increased proliferation in vitro (PMID: 26627007).

Blueprint Genetics
Classification: Likely pathogenic for PIK3CA-related disorders. Last evaluated: 2018-10-03. Review status: criteria provided, single submitter. Criteria: ACMG Guidelines, 2015. Collection method: clinical testing. Allele origin: germline. Affected: yes. Observed: 1 variant allele.

Laboratory for Molecular Medicine, Mass General Brigham Personalized Medicine
Classification: Pathogenic for Ovarian Cancer. Last evaluated: 2010-08-10. Review status: criteria provided, single submitter. Criteria: LMM Criteria. Collection method: clinical testing. Allele origin: somatic. Observed: 1 variant allele.

German Consortium for Hereditary Breast and Ovarian Cancer, University Hospital Cologne
Classification: Likely pathogenic for Ovarian neoplasm. Last evaluated: 2018-12-01. Review status: no assertion criteria provided. Collection method: research. Allele origin: somatic. Affected: yes. Not counted in ClinVar's aggregate classification.

MAGI's Lab - Research, MAGI Group
Classification: Pathogenic for Abnormal cardiovascular system morphology. Review status: no assertion criteria provided. Collection method: provider interpretation. Allele origin: somatic. Affected: yes. Not counted in ClinVar's aggregate classification.

Literature cited by the submitters: PubMed 34779417 (cited by Center for Genomic Medicine, Rigshospitalet, Copenhagen University Hospital); PubMed 26627007 (cited by Center for Genomic Medicine, Rigshospitalet, Copenhagen University Hospital); PubMed 29533785 (cited by Center for Genomic Medicine, Rigshospitalet, Copenhagen University Hospital); PubMed 20177704 (cited by Laboratory for Molecular Medicine, Mass General Brigham Personalized Medicine); PubMed 16353168 (cited by Laboratory for Molecular Medicine, Mass General Brigham Personalized Medicine); PubMed 19671852 (cited by Laboratory for Molecular Medicine, Mass General Brigham Personalized Medicine); PubMed 18371219 (cited by Laboratory for Molecular Medicine, Mass General Brigham Personalized Medicine).